The following is an entry in ClinVar:

ClinVar aggregate classification (germline): Uncertain significance (1 of 4 stars; one submission).

Submission:

Labcorp Genetics (formerly Invitae), Labcorp
Classification: Uncertain significance. Last evaluated: 2025-03-18. Review status: criteria provided, single submitter. Criteria: Invitae Variant Classification Sherloc (09022015). Collection method: clinical testing. Allele origin: germline.
Comment: This variant, c.1266_1268del, results in the deletion of 1 amino acid(s) of the SLC22A4 protein (p.Tyr423del), but otherwise preserves the integrity of the reading frame. This variant is present in population databases (rs561053135, gnomAD 0.07%), and has an allele count higher than expected for a pathogenic variant. This variant has not been reported in the literature in individuals affected with SLC22A4-related conditions. Experimental studies and prediction algorithms are not available or were not evaluated, and the functional significance of this variant is currently unknown. Algorithms developed to predict the effect of sequence changes on RNA splicing suggest that this variant may disrupt the consensus splice site. In summary, the available evidence is currently insufficient to determine the role of this variant in disease. Therefore, it has been classified as a Variant of Uncertain Significance.

NM_003059.3(SLC22A4):c.1263TTA[1] (p.Tyr423del)

Genes: SLC22A4 (solute carrier family 22 member 4; plus strand), MIR3936HG (MIR3936 host gene; minus strand). Cytogenetic location: 5q31.1.
Variant type: Microsatellite.
Coding change: c.1263TTA[1] on transcript NM_003059.3 (MANE Select); one copy of the 3-base unit TTA starting at c.1263; the reference has two copies in a row; one copy, 3 bases deleted.
Protein change: p.Tyr423del; deletes tyrosine 423.
Molecular consequence: inframe deletion.
Genome position (GRCh38, 1-based): chr5:132,335,822-132,335,824, TTA deleted; deleting any 3 consecutive bases within chr5:132,335,818-132,335,824 gives the same sequence; the position shown is the placement nearest the transcript's 3' end. VCF-style (leftmost placement, unchanged base first): chr5-132335817-GATT-G. GRCh37 (hg19) VCF-style: chr5-131671510-GATT-G.
Other names: short protein forms Y423del.
Identifiers: ClinVar variation 1356828 (VCV001356828.6), dbSNP rs561053135, ClinGen allele CA3403636.